The following is an entry in ClinVar:

ClinVar aggregate classification (germline): Conflicting classifications of pathogenicity. Review status: criteria provided, conflicting classifications (1 of 4 stars). 5 submissions from 5 submitters: Likely pathogenic (1); Uncertain significance (3). 1 of the submissions does not count toward it. Last evaluated 2026-09-08.

Conditions:
Familial cancer of breast. Also called: BREAST CANCER, FAMILIAL; hereditary breast carcinoma; Hereditary breast cancer. Identifiers: Orphanet 227535, MedGen C0346153, MONDO:0016419, OMIM 114480. Disease mechanism: loss of function.
Breast-ovarian cancer, familial, susceptibility to, 2 (BROVCA2). Also called: BRCA2 Hereditary Breast and Ovarian Cancer. Identifiers: Orphanet 145, MedGen C2675520, MONDO:0012933, OMIM 612555. Disease mechanism: loss of function.
Hereditary cancer-predisposing syndrome. Also called: Tumor predisposition; Hereditary neoplastic syndrome; Hereditary Cancer Syndrome; Neoplastic Syndromes, Hereditary. Identifiers: Orphanet 140162, MedGen C0027672, MeSH D009386, MONDO:0015356.
Hereditary breast ovarian cancer syndrome. Also called: Hereditary breast and ovarian cancer syndrome (HBOC); Hereditary breast and ovarian cancer syndrome; Breast and ovarian cancer; BRCA1- and BRCA2-Associated Hereditary Breast and Ovarian Cancer; Hereditary breast and ovarian cancer; Hereditary breast and/or ovarian cancer syndrome. Identifiers: Orphanet 145, MedGen C0677776, MeSH D061325, MONDO:0003582. Disease mechanism: loss of function.

Submissions (5):

Ambry Genetics
Classification: Likely pathogenic for Hereditary cancer-predisposing syndrome. Last evaluated: 2026-09-08. Review status: criteria provided, single submitter. Criteria: Ambry Variant Classification Scheme 2023. Collection method: clinical testing. Allele origin: germline.
Comment: The c.515A>G variant (also known as p.K172R), located in coding exon 5 of the BRCA2 gene, results from an A to G substitution at nucleotide position 515. The lysine at codon 172 is replaced by arginine, an amino acid with highly similar properties. This nucleotide position is highly conserved in available vertebrate species. In silico splice site analysis predicts that this alteration may weaken the native splice donor site. RNA studies have demonstrated that this variant results in abnormal splicing in the set of samples tested (Ambry internal data). Based on the majority of available evidence to date, this variant is likely to be pathogenic.

Department of Pathology and Laboratory Medicine, Sinai Health System
Classification: Uncertain significance for Familial cancer of breast; Breast-ovarian cancer, familial, susceptibility to, 2. Last evaluated: 2023-01-31. Review status: criteria provided, single submitter. Criteria: ACMG Guidelines, 2015. Collection method: clinical testing. Allele origin: germline. Affected: yes.

Color Diagnostics, LLC DBA Color Health
Classification: Uncertain significance for Hereditary cancer-predisposing syndrome. Last evaluated: 2019-12-06. Review status: criteria provided, single submitter. Criteria: ACMG Guidelines, 2015. Collection method: clinical testing. Allele origin: germline.
Comment: This missense variant replaces lysine with arginine at codon 172 of the BRCA2 protein. Computational prediction suggests that this variant may not impact protein structure and function (internally defined REVEL score threshold <= 0.5, PMID: 27666373). Splice site prediction tools are inconclusive regarding the impact of this variant on RNA splicing. To our knowledge, functional studies have not been performed for this variant. This variant has not been reported in individuals affected with hereditary cancer in the literature. This variant has not been identified in the general population by the Genome Aggregation Database (gnomAD). The available evidence is insufficient to determine the role of this variant in disease conclusively. Therefore, this variant is classified as a Variant of Uncertain Significance.

Labcorp Genetics (formerly Invitae), Labcorp
Classification: Uncertain significance for Hereditary breast ovarian cancer syndrome. Last evaluated: 2018-04-01. Review status: criteria provided, single submitter. Criteria: Invitae Variant Classification Sherloc (09022015). Collection method: clinical testing. Allele origin: germline.
Comment: This sequence change replaces lysine with arginine at codon 172 of the BRCA2 protein (p.Lys172Arg). The lysine residue is moderately conserved and there is a small physicochemical difference between lysine and arginine. This variant is not present in population databases (ExAC no frequency). This variant has been reported in individuals in the Leiden Open-source Variation Database (PMID: 21520333). ClinVar contains an entry for this variant (Variation ID: 96816). Algorithms developed to predict the effect of missense changes on protein structure and function do not agree on the potential impact of this missense change (SIFT: "Tolerated"; PolyPhen-2: "Probably Damaging"; Align-GVGD: "Class C0"). Algorithms developed to predict the effect of sequence changes on RNA splicing suggest that this variant may disrupt the consensus splice site, but this prediction has not been confirmed by published transcriptional studies. In summary, the available evidence is currently insufficient to determine the role of this variant in disease. Therefore, it has been classified as a Variant of Uncertain Significance.

Sharing Clinical Reports Project (SCRP)
Classification: Uncertain significance for Breast-ovarian cancer, familial 2. Last evaluated: 2012-05-01. Review status: no assertion criteria provided. Collection method: clinical testing. Allele origin: germline. Not counted in ClinVar's aggregate classification.

Literature cited by the submitters: PubMed 21725594 (cited by Ambry Genetics); PubMed 21520333 (cited by Labcorp Genetics (formerly Invitae), Labcorp).

NM_000059.4(BRCA2):c.515A>G (p.Lys172Arg)

Gene: BRCA2 (BRCA2 DNA repair associated; plus strand). Cytogenetic location: 13q13.1.
Variant type: single nucleotide variant.
Coding change: c.515A>G on transcript NM_000059.4 (MANE Select); coding-DNA position 515, A replaced by G.
Protein change: p.Lys172Arg; replaces lysine 172 with arginine.
Molecular consequence: missense variant.
Genome position (GRCh38, 1-based): chr13:32,326,281, A>G. VCF-style: chr13-32326281-A-G. GRCh37 (hg19) VCF-style: chr13-32900418-A-G.
Other names: short protein forms K172R.
Identifiers: ClinVar variation 96816 (VCV000096816.20), dbSNP rs431825327, ClinGen allele CA021442.
Genomic context (GRCh38, chr13:32,326,281, plus strand): 5'-TTCCCCTTTTTTTACCCCCAGTGGTATGTGGGAGTTTGTTTCATACACCAAAGTTTGTGA[A>G]GGTAAATATTCTACCTGGTTTATTTTTATGACTTAGTAATTGAGAATTTGACAATAGCGT-3'
Protein context (NP_000050.3, residues 162-182): GSLFHTPKFV[Lys172Arg]GRQTPKHISE